The following is an entry in ClinVar:

NM_018699.4(PRDM5):c.448A>G (p.Arg150Gly)

Gene: PRDM5 (PR/SET domain 5; minus strand). Cytogenetic location: 4q27.
Variant type: single nucleotide variant.
Coding change: c.448A>G on transcript NM_018699.4 (MANE Select); coding-DNA position 448, A replaced by G.
Protein change: p.Arg150Gly; replaces arginine 150 with glycine.
Molecular consequence: missense variant.
Genome position (GRCh38, 1-based): chr4:120,821,198, T>C on the plus strand (A>G on the coding strand, the complement: PRDM5 is on the minus strand). VCF-style: chr4-120821198-T-C. GRCh37 (hg19) VCF-style: chr4-121742353-T-C.
Other names: c.448A>G, p.Arg150Gly (NM_001300823.2, NM_001300824.2, NM_001379104.1 and 1 more transcripts); c.448A>G (NM_018699.2); short protein forms R150G.
Identifiers: ClinVar variation 1907074 (VCV001907074.3), dbSNP rs749616603, ClinGen allele CA3061398.

ClinVar aggregate classification (germline): Conflicting classifications of pathogenicity. Review status: criteria provided, conflicting classifications (1 of 4 stars). 2 submissions from 2 submitters: Uncertain significance (1); Likely benign (1). Last evaluated 2024-03-28.

Conditions:
Cardiovascular phenotype. Identifiers: MedGen CN230736.

Allele frequency attached by ClinVar (database versions not stated): TOPMed below 0.00001; ExAC 0.00001.
gnomAD v4.1: 5 of 1,614,182 alleles (0.00031%); highest among the groups gnomAD compares: East Asian, 0.0022%; no homozygotes.

Submissions (2):

Ambry Genetics
Classification: Likely benign for Cardiovascular phenotype. Last evaluated: 2024-03-28. Review status: criteria provided, single submitter. Criteria: Ambry Variant Classification Scheme 2023. Collection method: clinical testing. Allele origin: germline.

Labcorp Genetics (formerly Invitae), Labcorp
Classification: Uncertain significance. Last evaluated: 2022-09-27. Review status: criteria provided, single submitter. Criteria: Invitae Variant Classification Sherloc (09022015). Collection method: clinical testing. Allele origin: germline.
Comment: This sequence change replaces arginine, which is basic and polar, with glycine, which is neutral and non-polar, at codon 150 of the PRDM5 protein (p.Arg150Gly). This variant is present in population databases (rs749616603, gnomAD 0.006%). This variant has not been reported in the literature in individuals affected with PRDM5-related conditions. Algorithms developed to predict the effect of missense changes on protein structure and function (SIFT, PolyPhen-2, Align-GVGD) all suggest that this variant is likely to be tolerated. In summary, the available evidence is currently insufficient to determine the role of this variant in disease. Therefore, it has been classified as a Variant of Uncertain Significance.